The following is an entry in ClinVar:

ClinVar aggregate classification (germline): Conflicting classifications of pathogenicity. Review status: criteria provided, conflicting classifications (1 of 4 stars). 2 submissions from 2 submitters: Uncertain significance (1); Likely benign (1). Last evaluated 2024-09-20.

Conditions:
X-linked distal spinal muscular atrophy type 3. Also called: ATP7A-Related Distal Motor Neuropathy; NEURONOPATHY, DISTAL HEREDITARY MOTOR, X-LINKED; NEUROPATHY, DISTAL HEREDITARY MOTOR, X-LINKED; SPINAL MUSCULAR ATROPHY, DISTAL, X-LINKED RECESSIVE. Identifiers: Orphanet 139557, MedGen C1845359, MONDO:0010338, OMIM 300489.
Cutis laxa, X-linked (OHS). Also called: EDS IX; Occipital horn syndrome. Identifiers: Orphanet 198, MedGen C0268353, MONDO:0010572, OMIM 304150.
Menkes kinky-hair syndrome (MNK). Also called: Classic Menkes Disease; Copper transport disease; Menkes Disease. Identifiers: Orphanet 565, MedGen C0022716, MONDO:0010651, OMIM 309400.

Submissions (2):

3billion
Classification: Likely benign for Menkes kinky-hair syndrome; X-linked distal spinal muscular atrophy type 3; Cutis laxa, X-linked. Last evaluated: 2024-09-20. Review status: criteria provided, single submitter. Criteria: ACMG Guidelines, 2015. Collection method: clinical testing. Allele origin: germline. Affected: no.
Comment: The hemizygous variant was found in patients diagnosed with another variant in a different gene, with no symptoms related to the gene containing the hemizygous variant.

Revvity Omics, Revvity
Classification: Uncertain significance. Last evaluated: 2024-08-28. Review status: criteria provided, single submitter. Criteria: ACMG Guidelines, 2015. Collection method: clinical testing. Allele origin: germline.

NM_000052.7(ATP7A):c.641T>C (p.Val214Ala)

Gene: ATP7A (ATPase copper transporting alpha; plus strand). Cytogenetic location: Xq21.1.
Variant type: single nucleotide variant.
Coding change: c.641T>C on transcript NM_000052.7 (MANE Select); coding-DNA position 641, T replaced by C.
Protein change: p.Val214Ala; replaces valine 214 with alanine.
Molecular consequence: missense variant.
Genome position (GRCh38, 1-based): chrX:77,989,263, T>C. VCF-style: chrX-77989263-T-C. GRCh37 (hg19) VCF-style: chrX-77244759-T-C.
Other names: c.641T>C, p.Val214Ala (NM_001282224.2); short protein forms V214A.
Identifiers: ClinVar variation 2439391 (VCV002439391.4), dbSNP rs2522292530, ClinGen allele CA413600480.